The following is an entry in ClinVar:

NM_000038.6(APC):c.4259C>G (p.Pro1420Arg)

Gene: APC (APC regulator of Wnt signaling pathway; plus strand). Cytogenetic location: 5q22.2.
Variant type: single nucleotide variant.
Coding change: c.4259C>G on transcript NM_000038.6 (MANE Select); coding-DNA position 4259, C replaced by G.
Protein change: p.Pro1420Arg; replaces proline 1420 with arginine.
Molecular consequence: missense variant. On other transcripts: non-coding transcript variant (2).
Genome position (GRCh38, 1-based): chr5:112,839,853, C>G. VCF-style: chr5-112839853-C-G. GRCh37 (hg19) VCF-style: chr5-112175550-C-G.
Other names: c.4259C>G, p.Pro1420Arg (NM_001127510.3, NM_001354895.2, NM_001407450.1); c.4205C>G, p.Pro1402Arg (NM_001127511.3); c.4313C>G, p.Pro1438Arg (NM_001354896.2, NM_001407447.1, NM_001407448.1 and 1 more transcripts); c.4289C>G, p.Pro1430Arg (NM_001354897.2); c.4184C>G, p.Pro1395Arg (NM_001354898.2); c.4175C>G, p.Pro1392Arg (NM_001354899.2); c.4136C>G, p.Pro1379Arg (NM_001354900.2); c.4082C>G, p.Pro1361Arg (NM_001354901.2, NM_001407453.1); and 11 more; short protein forms P1137R, P1291R, P1361R, P1379R, P1402R, P1430R, P1260R, P1294R.
Identifiers: ClinVar variation 3882546 (VCV003882546.1).

ClinVar aggregate classification (germline): Uncertain significance (1 of 4 stars; one submission).

Conditions:
Hereditary cancer-predisposing syndrome. Also called: Tumor predisposition; Neoplastic Syndromes, Hereditary; Hereditary Cancer Syndrome; Hereditary neoplastic syndrome. Identifiers: Orphanet 140162, MedGen C0027672, MeSH D009386, MONDO:0015356.

Submission:

Ambry Genetics
Classification: Uncertain significance for Hereditary cancer-predisposing syndrome. Last evaluated: 2025-02-22. Review status: criteria provided, single submitter. Criteria: Ambry Variant Classification Scheme 2023. Collection method: clinical testing. Allele origin: germline.
Comment: The p.P1420R variant (also known as c.4259C>G), located in coding exon 15 of the APC gene, results from a C to G substitution at nucleotide position 4259. The proline at codon 1420 is replaced by arginine, an amino acid with dissimilar properties. This amino acid position is conserved. In addition, in silico predictors for this gene do not accurately predict pathogenicity. Based on the available evidence, the clinical significance of this variant remains unclear.